The following is an entry in ClinVar:

ClinVar aggregate classification (germline): Conflicting classifications of pathogenicity. Review status: criteria provided, conflicting classifications (1 of 4 stars). 2 submissions from 2 submitters: Uncertain significance (1); Likely benign (1). Last evaluated 2024-04-15.

Conditions:
Inborn genetic diseases. Identifiers: MedGen C0950123, MeSH D030342.

Allele frequency attached by ClinVar (database versions not stated): TOPMed below 0.00001; gnomAD 0.00001; gnomAD exomes 0.00001.
gnomAD v4.1: 18 of 1,614,022 alleles (0.0011%); highest among the groups gnomAD compares: South Asian, 0.0033%; no homozygotes.

Submissions (2):

Ambry Genetics
Classification: Likely benign for Inborn genetic diseases. Last evaluated: 2024-04-15. Review status: criteria provided, single submitter. Criteria: Ambry Variant Classification Scheme 2023. Collection method: clinical testing. Allele origin: germline.

GeneDx
Classification: Uncertain significance. Last evaluated: 2019-12-16. Review status: criteria provided, single submitter. Criteria: GeneDx Variant Classification Process June 2021. Collection method: clinical testing. Allele origin: germline. Affected: yes.
Comment: In silico analysis, which includes protein predictors and evolutionary conservation, supports that this variant does not alter protein structure/function; Has not been previously published as pathogenic or benign to our knowledge

NM_015335.5(MED13L):c.4877C>T (p.Thr1626Met)

Gene: MED13L (mediator complex subunit 13L; minus strand). Cytogenetic location: 12q24.21.
Variant type: single nucleotide variant.
Coding change: c.4877C>T on transcript NM_015335.5 (MANE Select); coding-DNA position 4877, C replaced by T.
Protein change: p.Thr1626Met; replaces threonine 1626 with methionine.
Molecular consequence: missense variant.
Genome position (GRCh38, 1-based): chr12:115,983,195, G>A on the plus strand (C>T on the coding strand, the complement: MED13L is on the minus strand). VCF-style: chr12-115983195-G-A. GRCh37 (hg19) VCF-style: chr12-116421000-G-A.
Other names: short protein forms T1626M.
Identifiers: ClinVar variation 1311369 (VCV001311369.3), dbSNP rs911625539, ClinGen allele CA244141813.